The following is an entry in ClinVar:

NM_001378030.1(CCDC78):c.1241C>A (p.Ala414Asp)

Gene: CCDC78 (coiled-coil domain containing 78; minus strand). Cytogenetic location: 16p13.3.
Variant type: single nucleotide variant.
Coding change: c.1241C>A on transcript NM_001378030.1 (MANE Select); coding-DNA position 1241, C replaced by A.
Protein change: p.Ala414Asp; replaces alanine 414 with aspartic acid.
Molecular consequence: missense variant. On other transcripts: non-coding transcript variant (5).
Genome position (GRCh38, 1-based): chr16:722,982, G>T on the plus strand (C>A on the coding strand, the complement: CCDC78 is on the minus strand). VCF-style: chr16-722982-G-T. GRCh37 (hg19) VCF-style: chr16-772982-G-T.
Other names: c.1237C>A, p.Pro413Thr (NM_001031737.3); c.1061C>A, p.Ala354Asp (NM_001378031.1); c.674C>A, p.Ala225Asp (NM_001378033.1); c.1237C>A (NM_001031737.2); short protein forms P413T, A225D, A354D, A414D.
Identifiers: ClinVar variation 425081 (VCV000425081.49), dbSNP rs369081589, ClinGen allele CA7789106.

ClinVar aggregate classification (germline): Conflicting classifications of pathogenicity. Review status: criteria provided, conflicting classifications (1 of 4 stars). 3 submissions from 3 submitters: Uncertain significance (2); Likely benign (1). Last evaluated 2025-12-11.

Conditions:
Inborn genetic diseases. Identifiers: MedGen C0950123, MeSH D030342.
Congenital myopathy with internal nuclei and atypical cores. Also called: Myopathy, centronuclear, 4. Identifiers: Orphanet 319160, MedGen C4707232, MONDO:0013890, OMIM 614807.

Allele frequency attached by ClinVar (database versions not stated): gnomAD exomes 0.00002 and 0.00003; ExAC 0.00003; gnomAD 0.00007 and 0.00008; ESP Exome Variant Server 0.00008; TOPMed 0.00008.

Submissions (3):

Labcorp Genetics (formerly Invitae), Labcorp
Classification: Uncertain significance for Congenital myopathy with internal nuclei and atypical cores. Last evaluated: 2025-12-11. Review status: criteria provided, single submitter. Criteria: Invitae Variant Classification Sherloc (09022015). Collection method: clinical testing. Allele origin: germline.
Comment: This sequence change replaces proline, which is neutral and non-polar, with threonine, which is neutral and polar, at codon 413 of the CCDC78 protein (p.Pro413Thr). This variant is present in population databases (rs369081589, gnomAD 0.007%). This variant has not been reported in the literature in individuals affected with CCDC78-related conditions. ClinVar contains an entry for this variant (Variation ID: 425081). Invitae Evidence Modeling of protein sequence and biophysical properties (such as structural, functional, and spatial information, amino acid conservation, physicochemical variation, residue mobility, and thermodynamic stability) indicates that this missense variant is not expected to disrupt CCDC78 protein function with a negative predictive value of 80%. In summary, the available evidence is currently insufficient to determine the role of this variant in disease. Therefore, it has been classified as a Variant of Uncertain Significance.

Ambry Genetics
Classification: Uncertain significance for Inborn genetic diseases. Last evaluated: 2025-04-20. Review status: criteria provided, single submitter. Criteria: Ambry Variant Classification Scheme 2023. Collection method: clinical testing. Allele origin: germline.

CeGaT Center for Human Genetics Tuebingen
Classification: Likely benign. Last evaluated: 2020-01-01. Review status: criteria provided, single submitter. Criteria: CeGaT Center For Human Genetics Tuebingen Variant Classification Criteria Version 2. Collection method: clinical testing. Allele origin: germline. Affected: yes. Observed: 1 variant allele.